The following is an entry in ClinVar:

ClinVar aggregate classification (germline): Uncertain significance (1 of 4 stars; one submission).

gnomAD v4.1: 7 of 1,613,786 alleles (0.00043%); highest among the groups gnomAD compares: East Asian, 0.011%; no homozygotes.

Submission:

Labcorp Genetics (formerly Invitae), Labcorp
Classification: Uncertain significance. Last evaluated: 2025-06-29. Review status: criteria provided, single submitter. Criteria: Invitae Variant Classification Sherloc (09022015). Collection method: clinical testing. Allele origin: germline.
Comment: This sequence change falls in intron 15 of the DZIP1L gene. It does not directly change the encoded amino acid sequence of the DZIP1L protein. It affects a nucleotide within the consensus splice site. This variant is present in population databases (no rsID available, gnomAD no frequency). This variant has not been reported in the literature in individuals affected with DZIP1L-related conditions. Variants that disrupt the consensus splice site are a relatively common cause of aberrant splicing (PMID: 17576681, 9536098). Algorithms developed to predict the effect of sequence changes on RNA splicing suggest that this variant is not likely to affect RNA splicing. In summary, the available evidence is currently insufficient to determine the role of this variant in disease. Therefore, it has been classified as a Variant of Uncertain Significance.

Literature cited by the submitters: PubMed 17576681; PubMed 9536098.

NM_173543.3(DZIP1L):c.2143-3C>T

Gene: DZIP1L (DAZ interacting zinc finger protein 1 like; minus strand). Cytogenetic location: 3q22.3.
Variant type: single nucleotide variant.
Coding change: c.2143-3C>T on transcript NM_173543.3 (MANE Select); 3 bases into the intron before coding-DNA position 2143, C replaced by T.
Molecular consequence: intron variant.
Genome position (GRCh38, 1-based): chr3:138,062,980, G>A on the plus strand (C>T on the coding strand, the complement: DZIP1L is on the minus strand). VCF-style: chr3-138062980-G-A. GRCh37 (hg19) VCF-style: chr3-137781822-G-A.
Identifiers: ClinVar variation 4738919 (VCV004738919.1).
Genomic context (GRCh38, chr3:138,062,980, plus strand): 5'-GGTCCAGAGGAAGATCTTCCAAGGAGGAGATCTCCAAGTCACTCTCATCTTCAGAAAGCT[G>A]CAGGGGGTAAAGGGGAGAAGAAAATGCATTTTGATAAGGGAGGAGGGTGGCTGAGAGCTA-3'